The following is an entry in ClinVar:

NM_000400.4(ERCC2):c.2189G>T (p.Arg730Leu)

Gene: ERCC2 (ERCC excision repair 2, TFIIH core complex helicase subunit; minus strand). Cytogenetic location: 19q13.32.
Variant type: single nucleotide variant.
Coding change: c.2189G>T on transcript NM_000400.4 (MANE Select); coding-DNA position 2189, G replaced by T.
Protein change: p.Arg730Leu; replaces arginine 730 with leucine.
Molecular consequence: missense variant.
Genome position (GRCh38, 1-based): chr19:45,352,210, C>A on the plus strand (G>T on the coding strand, the complement: ERCC2 is on the minus strand). VCF-style: chr19-45352210-C-A. GRCh37 (hg19) VCF-style: chr19-45855468-C-A.
Other names: short protein forms R730L.
Identifiers: ClinVar variation 2479673 (VCV002479673.2), dbSNP rs759412116, ClinGen allele CA406360828.

ClinVar aggregate classification (germline): Uncertain significance (1 of 4 stars; one submission).

Conditions:
Inborn genetic diseases. Identifiers: MedGen C0950123, MeSH D030342.

gnomAD v4.1: 1 of 1,613,628 alleles (0.000062%); highest among the groups gnomAD compares: African/African-American, 0.0013%; no homozygotes.

Submission:

Ambry Genetics
Classification: Uncertain significance for Inborn genetic diseases. Last evaluated: 2023-02-12. Review status: criteria provided, single submitter. Criteria: Ambry Variant Classification Scheme 2023. Collection method: clinical testing. Allele origin: germline.
Comment: The p.R730L variant (also known as c.2189G>T), located in coding exon 22 of the ERCC2 gene, results from a G to T substitution at nucleotide position 2189. The arginine at codon 730 is replaced by leucine, an amino acid with dissimilar properties. This amino acid position is conserved. In addition, the in silico prediction for this alteration is inconclusive. Since supporting evidence is limited at this time, the clinical significance of this alteration remains unclear.